The following is an entry in ClinVar:

NM_025137.4(SPG11):c.3269A>G (p.Tyr1090Cys)

Gene: SPG11 (SPG11 vesicle trafficking associated, spatacsin; minus strand). Cytogenetic location: 15q21.1.
Variant type: single nucleotide variant.
Coding change: c.3269A>G on transcript NM_025137.4 (MANE Select); coding-DNA position 3269, A replaced by G.
Protein change: p.Tyr1090Cys; replaces tyrosine 1090 with cysteine.
Molecular consequence: missense variant.
Genome position (GRCh38, 1-based): chr15:44,610,862, T>C on the plus strand (A>G on the coding strand, the complement: SPG11 is on the minus strand). VCF-style: chr15-44610862-T-C. GRCh37 (hg19) VCF-style: chr15-44903060-T-C.
Other names: c.3269A>G, p.Tyr1090Cys (NM_001160227.2); short protein forms Y1090C.
Identifiers: ClinVar variation 957611 (VCV000957611.9), dbSNP rs2083441234, ClinGen allele CA392226401.

ClinVar aggregate classification (germline): Uncertain significance (1 of 4 stars; one submission).

Conditions:
Hereditary spastic paraplegia 11. Also called: Nakamura Osame syndrome; Autosomal recessive hereditary spastic paraplegia, mental impairment, and thin corpus callosum; Spastic paraplegia, mental retardation and thin corpus callosum; SPASTIC PARAPLEGIA, AUTOSOMAL RECESSIVE, COMPLICATED, WITH THIN CORPUS CALLOSUM; SPASTIC PARAPLEGIA, AUTOSOMAL RECESSIVE, WITH MENTAL IMPAIRMENT AND THIN CORPUS CALLOSUM; Spastic Paraplegia 11. Identifiers: Orphanet 2822, MedGen C1858479, MONDO:0011445, OMIM 604360.

Allele frequency attached by ClinVar (database versions not stated): gnomAD exomes below 0.00001; TOPMed below 0.00001.
gnomAD v4.1: 1 of 1,614,040 alleles (0.000062%); highest among the groups gnomAD compares: Admixed American, 0.0017%; no homozygotes.

Submission:

Labcorp Genetics (formerly Invitae), Labcorp
Classification: Uncertain significance for Hereditary spastic paraplegia 11. Last evaluated: 2019-11-05. Review status: criteria provided, single submitter. Criteria: Invitae Variant Classification Sherloc (09022015). Collection method: clinical testing. Allele origin: germline.
Comment: This sequence change replaces tyrosine with cysteine at codon 1090 of the SPG11 protein (p.Tyr1090Cys). The tyrosine residue is moderately conserved and there is a large physicochemical difference between tyrosine and cysteine. This variant is not present in population databases (ExAC no frequency). This variant has not been reported in the literature in individuals with SPG11-related conditions. Algorithms developed to predict the effect of missense changes on protein structure and function are either unavailable or do not agree on the potential impact of this missense change (SIFT: "Deleterious"; PolyPhen-2: "Probably Damaging"; Align-GVGD: "Class C0"). In summary, the available evidence is currently insufficient to determine the role of this variant in disease. Therefore, it has been classified as a Variant of Uncertain Significance.